The following is an entry in ClinVar:

NM_152564.5(VPS13B):c.10161_10170del (p.Arg3388fs)

Gene: VPS13B (vacuolar protein sorting 13 homolog B; plus strand). Cytogenetic location: 8q22.2.
Variant type: Deletion.
Coding change: c.10161_10170del on transcript NM_152564.5 (MANE Select); coding-DNA positions 10161 to 10170, 10 bases deleted (GAGACTCACA; older notation c.10161_10170delGAGACTCACA).
Protein change: p.Arg3388fs; shifts the reading frame from arginine 3388.
Molecular consequence: frameshift variant.
Genome position (GRCh38, 1-based): chr8:99,853,550-99,853,559, GAGACTCACA deleted. VCF-style (leftmost placement, unchanged base first): chr8-99853549-TGAGACTCACA-T. GRCh37 (hg19) VCF-style: chr8-100865777-TGAGACTCACA-T.
Other names: c.10236_10245del, p.Arg3413fs (NM_017890.5); short protein forms R3388fs, R3413fs.
Identifiers: ClinVar variation 1973506 (VCV001973506.5), dbSNP rs2492236593, ClinGen allele CA2579210869.

ClinVar aggregate classification (germline): Pathogenic (1 of 4 stars; one submission).

Conditions:
Cohen syndrome (COH1). Also called: Cutis verticis gyrata, retinitis pigmentosa, and sensorineural deafness; PEPPER SYNDROME. Identifiers: Orphanet 193, MedGen C0265223, MONDO:0008999, OMIM 216550.

Submission:

Labcorp Genetics (formerly Invitae), Labcorp
Classification: Pathogenic for Cohen syndrome. Last evaluated: 2022-07-10. Review status: criteria provided, single submitter. Criteria: Invitae Variant Classification Sherloc (09022015). Collection method: clinical testing. Allele origin: germline.
Comment: For these reasons, this variant has been classified as Pathogenic. This variant has not been reported in the literature in individuals affected with VPS13B-related conditions. This variant is not present in population databases (gnomAD no frequency). This sequence change creates a premature translational stop signal (p.Arg3413Trpfs*39) in the VPS13B gene. It is expected to result in an absent or disrupted protein product. Loss-of-function variants in VPS13B are known to be pathogenic (PMID: 15141358, 16648375, 20461111).

Literature cited by the submitters: PubMed 15141358; PubMed 16648375; PubMed 20461111.